The following is an entry in ClinVar:

NM_001267550.2(TTN):c.101376T>C (p.Tyr33792=)

Genes: TTN (titin; minus strand), TTN-AS1 (TTN antisense RNA 1; plus strand). Cytogenetic location: 2q31.2.
Variant type: single nucleotide variant.
Coding change: c.101376T>C on transcript NM_001267550.2 (MANE Select); coding-DNA position 101376, T replaced by C.
Protein change: p.Tyr33792=; no amino-acid change (tyrosine 33792 retained).
Molecular consequence: synonymous variant.
Genome position (GRCh38, 1-based): chr2:178,535,239, A>G on the plus strand (T>C on the coding strand, the complement: TTN is on the minus strand). VCF-style: chr2-178535239-A-G. GRCh37 (hg19) VCF-style: chr2-179399966-A-G.
Other names: p.Y32151Y:TAT>TAC; p.Tyr31224=; c.96453T>C, p.Tyr32151= (NM_001256850.1); c.74181T>C, p.Tyr24727= (NM_003319.4); c.93672T>C, p.Tyr31224= (NM_133378.4); c.74556T>C, p.Tyr24852= (NM_133432.3); c.74757T>C, p.Tyr24919= (NM_133437.4).
Identifiers: ClinVar variation 202283 (VCV000202283.58), dbSNP rs367732133, ClinGen allele CA308975.

ClinVar aggregate classification (germline): Conflicting classifications of pathogenicity. Review status: criteria provided, conflicting classifications (1 of 4 stars). 22 submissions from 18 submitters: Uncertain significance (3); Benign (8); Likely benign (7). 4 of the submissions do not count toward it. Last evaluated 2026-06-01.

Conditions:
TTN-related disorder. Also called: TTN-related disorders; TTN-related condition; TTN-related disease.
Cardiovascular phenotype. Identifiers: MedGen CN230736.
Dilated cardiomyopathy 1G (CMD1G). Identifiers: Orphanet 154, MedGen C1858763, MONDO:0011400, OMIM 604145.
Autosomal recessive limb-girdle muscular dystrophy type 2J (LGMDR10). Also called: MUSCULAR DYSTROPHY, LIMB-GIRDLE, AUTOSOMAL RECESSIVE 10; Limb-girdle muscular dystrophy, type 2J. Identifiers: Orphanet 140922, MedGen C1837342, MONDO:0012127, OMIM 608807.
Cardiomyopathy (CMYO). Also called: Cardiomyopathies. Identifiers: Orphanet 167848, MedGen C0878544, MONDO:0004994, HP:0001638. Inheritance: Various modes of inheritance.
Myopathy, myofibrillar, 9, with early respiratory failure (MFM9). Also called: Hereditary myopathy with early respiratory failure; EDSTROM MYOPATHY; Myopathy, distal, with early respiratory failure, autosomal dominant; MYOPATHY, PROXIMAL, WITH EARLY RESPIRATORY MUSCLE INVOLVEMENT. Identifiers: Orphanet 178464, Orphanet 34521, MedGen C1863599, MONDO:0011362, OMIM 603689.
Tibial muscular dystrophy (TMD). Also called: Udd Distal Myopathy – Tibial Muscular Dystrophy; Tibial muscular dystrophy, tardive; UDD MYOPATHY. Identifiers: Orphanet 609, MedGen C1838244, MONDO:0010870, OMIM 600334.
Early-onset myopathy with fatal cardiomyopathy (CMYO5). Also called: CONGENITAL MYOPATHY 5 WITH CARDIOMYOPATHY; Salih Myopathy. Identifiers: Orphanet 289377, MedGen C2673677, MONDO:0012714, OMIM 611705. Disease mechanism: loss of function.

Allele frequency attached by ClinVar (database versions not stated): ESP Exome Variant Server 0.00025; gnomAD exomes 0.00043 and 0.00034; gnomAD 0.00044 and 0.00043; TOPMed 0.00033; ExAC 0.00053.
gnomAD v4.1: 563 of 1,613,838 alleles (0.035%); highest among the groups gnomAD compares: South Asian, 0.14%; 2 homozygotes.

Submissions (22):

CeGaT Center for Human Genetics Tuebingen
Classification: Likely benign. Last evaluated: 2026-06-01. Review status: criteria provided, single submitter. Criteria: CeGaT Center For Human Genetics Tuebingen Variant Classification Criteria Version 2. Collection method: clinical testing. Allele origin: germline. Affected: yes. Observed: 4 variant alleles.
Comment: TTN: BP4, BP7

Labcorp Genetics (formerly Invitae), Labcorp
Classification: Benign for Dilated cardiomyopathy 1G; Autosomal recessive limb-girdle muscular dystrophy type 2J. Last evaluated: 2026-01-21. Review status: criteria provided, single submitter. Criteria: Invitae Variant Classification Sherloc (09022015). Collection method: clinical testing. Allele origin: germline.

Mayo Clinic Laboratories, Mayo Clinic
Classification: Likely benign. Last evaluated: 2025-04-15. Review status: criteria provided, single submitter. Criteria: ACMG Guidelines, 2015. Collection method: clinical testing. Allele origin: germline. Observed: 2 variant alleles.
Comment: BP4, BP7

Molecular Diagnostic Laboratory for Inherited Cardiovascular Disease, Montreal Heart Institute
Classification: Benign. Last evaluated: 2025-04-09. Review status: criteria provided, single submitter. Criteria: ACMG Guidelines, 2015. Collection method: clinical testing. Allele origin: germline. Affected: no.

ARUP Laboratories, Molecular Genetics and Genomics, ARUP Laboratories
Classification: Likely benign. Last evaluated: 2024-10-29. Review status: criteria provided, single submitter. Criteria: ARUP Molecular Germline Variant Investigation Process 2024. Collection method: clinical testing. Allele origin: germline.

Blueprint Genetics
Classification: Likely benign. Last evaluated: 2024-09-13. Review status: criteria provided, single submitter. Criteria: ACMG Guidelines, 2015. Collection method: clinical testing. Allele origin: germline.

Athena Diagnostics
Classification: Benign. Last evaluated: 2024-05-09. Review status: criteria provided, single submitter. Criteria: Athena Diagnostics Criteria. Collection method: clinical testing. Allele origin: unknown.

Women's Health and Genetics/Laboratory Corporation of America, LabCorp
Classification: Benign. Last evaluated: 2022-07-10. Review status: criteria provided, single submitter. Criteria: LabCorp Variant Classification Summary - May 2015. Collection method: clinical testing. Allele origin: germline.

CHEO Genetics Diagnostic Laboratory, Children's Hospital of Eastern Ontario
Classification: Benign for Cardiomyopathy. Last evaluated: 2021-02-03. Review status: criteria provided, single submitter. Criteria: ACMG Guidelines, 2015. Collection method: clinical testing. Allele origin: germline. Study: Canadian Open Genetics Repository.

Illumina Laboratory Services, Illumina
Classification: Uncertain significance for Dilated cardiomyopathy 1G. Last evaluated: 2018-01-13. Review status: criteria provided, single submitter. Criteria: ICSL Variant Classification Criteria 13 December 2019. Collection method: clinical testing. Allele origin: germline.

Illumina Laboratory Services, Illumina
Classification: Benign for Tibial muscular dystrophy. Last evaluated: 2018-01-13. Review status: criteria provided, single submitter. Criteria: ICSL Variant Classification Criteria 13 December 2019. Collection method: clinical testing. Allele origin: germline.
Comment: This variant was observed in the ICSL laboratory as part of a predisposition screen in an ostensibly healthy population. It had not been previously curated by ICSL or reported in the Human Gene Mutation Database (HGMD: prior to June 1st, 2018), and was therefore a candidate for classification through an automated scoring system. Utilizing variant allele frequency, disease prevalence and penetrance estimates, and inheritance mode, an automated score was calculated to assess if this variant is too frequent to cause the disease. Based on the score and internal cut-off values, a variant classified as benign is not then subjected to further curation. The score for this variant resulted in a classification of benign for this disease.

Illumina Laboratory Services, Illumina
Classification: Uncertain significance for Early-onset myopathy with fatal cardiomyopathy. Last evaluated: 2018-01-13. Review status: criteria provided, single submitter. Criteria: ICSL Variant Classification Criteria 13 December 2019. Collection method: clinical testing. Allele origin: germline.

Illumina Laboratory Services, Illumina
Classification: Benign for Myopathy, myofibrillar, 9, with early respiratory failure. Last evaluated: 2018-01-13. Review status: criteria provided, single submitter. Criteria: ICSL Variant Classification Criteria 13 December 2019. Collection method: clinical testing. Allele origin: germline.
Comment: the same text as in the submission from Illumina Laboratory Services, Illumina above.

Illumina Laboratory Services, Illumina
Classification: Uncertain significance for Autosomal recessive limb-girdle muscular dystrophy type 2J. Last evaluated: 2018-01-13. Review status: criteria provided, single submitter. Criteria: ICSL Variant Classification Criteria 13 December 2019. Collection method: clinical testing. Allele origin: germline.

Eurofins Ntd Llc (ga)
Classification: Likely benign. Last evaluated: 2017-09-29. Review status: criteria provided, single submitter. Criteria: EGL Classification Definitions 2015. Collection method: clinical testing. Allele origin: germline. Observed: 2 variant alleles, 2 heterozygotes.

Ambry Genetics
Classification: Likely benign for Cardiovascular phenotype. Last evaluated: 2017-02-24. Review status: criteria provided, single submitter. Criteria: Ambry Variant Classification Scheme 2023. Collection method: clinical testing. Allele origin: germline.

GeneDx
Classification: Benign. Last evaluated: 2014-10-09. Review status: criteria provided, single submitter. Criteria: GeneDx Variant Classification (06012015). Collection method: clinical testing. Allele origin: germline. Affected: yes.
Comment: This variant is considered likely benign or benign based on one or more of the following criteria: it is a conservative change, it occurs at a poorly conserved position in the protein, it is predicted to be benign by multiple in silico algorithms, and/or has population frequency not consistent with disease.

Laboratory for Molecular Medicine, Mass General Brigham Personalized Medicine
Classification: Likely benign. Last evaluated: 2012-03-19. Review status: criteria provided, single submitter. Criteria: LMM Criteria. Collection method: clinical testing. Allele origin: germline. Observed: 1 variant allele.
Comment: p.Tyr31224Tyr in exon 307 of TTN: This variant is not expected to have clinical significance because it does not alter an amino acid residue and is not located within the splice consensus sequence. It has been identified in 1/3044 African A merican chromosomes from a broad population by the NHLBI Exome Sequencing Projec t.

PreventionGenetics, part of Exact Sciences
Classification: Likely benign for TTN-related condition. Last evaluated: 2019-02-28. Review status: no assertion criteria provided. Collection method: clinical testing. Allele origin: germline. Not counted in ClinVar's aggregate classification.
Comment: This variant is classified as likely benign based on ACMG/AMP sequence variant interpretation guidelines (Richards et al. 2015 PMID: 25741868, with internal and published modifications).

Clinical Genetics DNA and cytogenetics Diagnostics Lab, Erasmus MC, Erasmus Medical Center
Classification: Likely benign. Review status: no assertion criteria provided. Collection method: clinical testing. Allele origin: germline. Affected: yes. Study: VKGL Data-share Consensus. Not counted in ClinVar's aggregate classification.

Clinical Genetics, Academic Medical Center
Classification: Benign. Review status: no assertion criteria provided. Collection method: clinical testing. Allele origin: germline. Affected: yes. Study: VKGL Data-share Consensus. Not counted in ClinVar's aggregate classification.

Joint Genome Diagnostic Labs from Nijmegen and Maastricht, Radboudumc and MUMC+
Classification: Likely benign. Review status: no assertion criteria provided. Collection method: clinical testing. Allele origin: germline. Affected: yes. Study: VKGL Data-share Consensus. Not counted in ClinVar's aggregate classification.